The following is an entry in ClinVar:

NM_007294.4(BRCA1):c.243A>G (p.Gln81=)

Gene: BRCA1 (BRCA1 DNA repair associated; minus strand). Cytogenetic location: 17q21.31.
Variant type: single nucleotide variant.
Coding change: c.243A>G on transcript NM_007294.4 (MANE Select); coding-DNA position 243, A replaced by G.
Protein change: p.Gln81=; no amino-acid change (glutamine 81 retained).
Molecular consequence: synonymous variant. On other transcripts: 5 prime UTR variant (7), intron variant (2).
Genome position (GRCh38, 1-based): chr17:43,104,926, T>C on the plus strand (A>G on the coding strand, the complement: BRCA1 is on the minus strand). VCF-style: chr17-43104926-T-C. GRCh37 (hg19) VCF-style: chr17-41256943-T-C.
Other names: c.243A>G, p.Gln81= (NM_001408422.1, NM_001408423.1, NM_001408424.1 and 168 more transcripts); c.111A>G, p.Gln37= (NM_001408451.1); c.102A>G, p.Gln34= (NM_001408452.1, NM_001408453.1, NM_001408454.1 and 99 more transcripts); c.165A>G, p.Gln55= (NM_001408474.1, NM_001408475.1, NM_001408476.1 and 21 more transcripts); c.33A>G, p.Gln11= (NM_001408478.1, NM_001408479.1, NM_001408480.1 and 58 more transcripts); c.-139A>G (NM_001408510.1, NM_001408512.1, NM_001407959.1 and 4 more transcripts); c.-218-10066A>G (NM_001407967.1, NM_001407966.1).
Identifiers: ClinVar variation 215871 (VCV000215871.31), dbSNP rs863224418, ClinGen allele CA339425.
Genomic context (GRCh38, chr17:43,104,926, plus strand): 5'-ACACTCCAAACCTGTGTCAAGCTGAAAAGCACAAATGATTTTCAATAGCTCTTCAACAAG[T>C]TGACTAAATCTCGTACTTTCTTGTAGGCTCCTGAAATTAAATTGTTTGAGAAACACACTC-3'
Protein context (NP_009225.1, residues 71-91): RSLQESTRFS[Gln81=]LVEELLKIIC

ClinVar aggregate classification (germline): Likely benign. Review status: reviewed by expert panel (3 of 4 stars). 8 submissions from 8 submitters: Likely benign (1). 7 of the submissions do not count toward it. Last evaluated 2017-06-29.

Conditions:
Hereditary breast ovarian cancer syndrome. Also called: Breast and ovarian cancer; Hereditary breast and ovarian cancer; Hereditary breast and ovarian cancer syndrome; Hereditary breast and/or ovarian cancer syndrome; BRCA1- and BRCA2-Associated Hereditary Breast and Ovarian Cancer; Hereditary breast and ovarian cancer syndrome (HBOC). Identifiers: Orphanet 145, MedGen C0677776, MeSH D061325, MONDO:0003582. Disease mechanism: loss of function.
Breast-ovarian cancer, familial, susceptibility to, 1 (BROVCA1). Also called: BRCA1 Hereditary Breast and Ovarian Cancer; OVARIAN CANCER, SUSCEPTIBILITY TO. Identifiers: Orphanet 145, MedGen C2676676, MONDO:0011450, OMIM 604370. Disease mechanism: loss of function.
Hereditary cancer-predisposing syndrome. Also called: Tumor predisposition; Hereditary Cancer Syndrome; Neoplastic Syndromes, Hereditary; Hereditary neoplastic syndrome. Identifiers: Orphanet 140162, MedGen C0027672, MeSH D009386, MONDO:0015356.

Allele frequency attached by ClinVar (database versions not stated): gnomAD exomes 0.00001.
gnomAD v4.1: 7 of 1,613,930 alleles (0.00043%); highest among the groups gnomAD compares: East Asian, 0.0022%; no homozygotes.

Submissions (9):

Evidence-based Network for the Interpretation of Germline Mutant Alleles (ENIGMA)
Classification: Likely benign for Breast-ovarian cancer, familial, susceptibility to, 1. Last evaluated: 2017-06-29. Review status: reviewed by expert panel. Criteria: ENIGMA BRCA1/2 Classification Criteria (2017-06-29). Collection method: curation. Allele origin: germline.
Comment: Synonymous substitution variant, with low bioinformatic likelihood to result in a splicing aberration (Splicing prior probability 0.02).

Labcorp Genetics (formerly Invitae), Labcorp
Classification: Likely benign for Hereditary breast ovarian cancer syndrome. Last evaluated: 2025-04-30. Review status: criteria provided, single submitter. Criteria: Invitae Variant Classification Sherloc (09022015). Collection method: clinical testing. Allele origin: germline. Not counted in ClinVar's aggregate classification.

All of Us Research Program, National Institutes of Health
Classification: Likely benign for Breast-ovarian cancer, familial, susceptibility to, 1. Last evaluated: 2023-12-01. Review status: criteria provided, single submitter. Criteria: ACMG Guidelines, 2015. Collection method: clinical testing. Allele origin: germline. Inheritance: Autosomal dominant inheritance. Observed: 1 variant allele, 1 heterozygote. Not counted in ClinVar's aggregate classification.
Comment: This study involves interpretation of variants in research participants for the purpose of population health screening. Participant phenotype was not available at the time of variant classification. Additional details can be found in publication PMID: 35346344, PMCID: PMC8962531

Color Diagnostics, LLC DBA Color Health
Classification: Likely benign for Hereditary cancer-predisposing syndrome. Last evaluated: 2019-08-21. Review status: criteria provided, single submitter. Criteria: ACMG Guidelines, 2015. Collection method: clinical testing. Allele origin: germline. Not counted in ClinVar's aggregate classification.

Women's Health and Genetics/Laboratory Corporation of America, LabCorp
Classification: Likely benign. Last evaluated: 2019-08-21. Review status: criteria provided, single submitter. Criteria: LabCorp Variant Classification Summary - May 2015. Collection method: clinical testing. Allele origin: germline. Not counted in ClinVar's aggregate classification.

Genetic Services Laboratory, University of Chicago
Classification: Likely benign. Last evaluated: 2018-12-21. Review status: criteria provided, single submitter. Criteria: ACMG Guidelines, 2015. Collection method: clinical testing. Allele origin: germline. Affected: no. Not counted in ClinVar's aggregate classification.

Ambry Genetics
Classification: Likely benign for Hereditary cancer-predisposing syndrome. Last evaluated: 2018-09-06. Review status: criteria provided, single submitter. Criteria: Ambry Variant Classification Scheme 2023. Collection method: clinical testing. Allele origin: germline. Not counted in ClinVar's aggregate classification.

ARUP Laboratories, Molecular Genetics and Genomics, ARUP Laboratories
Classification: Likely benign. Last evaluated: 2018-03-28. Review status: criteria provided, single submitter. Criteria: ARUP Molecular Germline Variant Investigation Process. Collection method: clinical testing. Allele origin: germline. Not counted in ClinVar's aggregate classification.
Comment: The BRCA1 c.243A>G; p.Gln81Gln variant (rs863224418) has been described once to co-occur with a pathogenic BRCA2 variant (see link to UMD database). It has been reported as likely benign in ClinVar (Variation ID: 215871) and is absent from general population databases (1000 Genomes Project, Exome Variant Server, and Genome Aggregation Database), indicating it is not a common polymorphism. This is a synonymous change, the nucleotide is weakly conserved, and computational algorithms do not predict that this variant impacts splicing (Alamut v.2.11). Based on available information, this variant is considered likely benign. References: Link to UMD database

Brotman Baty Institute, University of Washington
No classification provided (evidence only). Condition: Breast-ovarian cancer, familial 1. Review status: no classification provided. Collection method: in vitro. Allele origin: not applicable. Functional consequence: functionally_normal. Not counted in ClinVar's aggregate classification.
ClinVar note: "not provided" was previously submitted as the classification for the variant. However, the classification appeared to be based only on an observation of functional data so it was converted to no classification on 2025-07-30.